The following is an entry in ClinVar:

NM_004606.5(TAF1):c.4115A>G (p.His1372Arg)

Gene: TAF1 (TATA-box binding protein associated factor 1; plus strand). Cytogenetic location: Xq13.1.
Variant type: single nucleotide variant.
Coding change: c.4115A>G on transcript NM_004606.5 (MANE Select); coding-DNA position 4115, A replaced by G.
Protein change: p.His1372Arg; replaces histidine 1372 with arginine.
Molecular consequence: missense variant. On other transcripts: non-coding transcript variant (9).
Genome position (GRCh38, 1-based): chrX:71,407,581, A>G. VCF-style: chrX-71407581-A-G. GRCh37 (hg19) VCF-style: chrX-70627431-A-G.
Other names: c.4115A>G, p.His1372Arg (NM_001286074.2); c.4052A>G, p.His1351Arg (NM_138923.4); short protein forms H1351R, H1372R.
Identifiers: ClinVar variation 2037438 (VCV002037438.5), dbSNP rs1451558019, ClinGen allele CA413536191.

ClinVar aggregate classification (germline): Uncertain significance. Review status: criteria provided, multiple submitters, no conflicts (2 of 4 stars). 2 submissions from 2 submitters: Uncertain significance (2). Last evaluated 2023-11-28.

Allele frequency attached by ClinVar (database versions not stated): gnomAD exomes 0.00001.
gnomAD v4.1: 12 of 1,210,849 alleles (0.00099%); highest among the groups gnomAD compares: Non-Finnish European, 0.0013%; no homozygotes.

Submissions (2):

Blueprint Genetics
Classification: Uncertain significance. Last evaluated: 2023-11-28. Review status: criteria provided, single submitter. Criteria: ACMG Guidelines, 2015. Collection method: clinical testing. Allele origin: germline.

Labcorp Genetics (formerly Invitae), Labcorp
Classification: Uncertain significance. Last evaluated: 2022-10-19. Review status: criteria provided, single submitter. Criteria: Invitae Variant Classification Sherloc (09022015). Collection method: clinical testing. Allele origin: germline.
Comment: In summary, the available evidence is currently insufficient to determine the role of this variant in disease. Therefore, it has been classified as a Variant of Uncertain Significance. Advanced modeling of protein sequence and biophysical properties (such as structural, functional, and spatial information, amino acid conservation, physicochemical variation, residue mobility, and thermodynamic stability) performed at Invitae indicates that this missense variant is not expected to disrupt TAF1 protein function. This variant has not been reported in the literature in individuals affected with TAF1-related conditions. This variant is present in population databases (no rsID available, gnomAD 0.004%). This sequence change replaces histidine, which is basic and polar, with arginine, which is basic and polar, at codon 1392 of the TAF1 protein (p.His1392Arg).